The following is an entry in ClinVar:

NM_025114.4(CEP290):c.7013A>C (p.Lys2338Thr)

Gene: CEP290 (centrosomal protein 290; minus strand). Cytogenetic location: 12q21.32.
Variant type: single nucleotide variant.
Coding change: c.7013A>C on transcript NM_025114.4 (MANE Select); coding-DNA position 7013, A replaced by C.
Protein change: p.Lys2338Thr; replaces lysine 2338 with threonine.
Molecular consequence: missense variant.
Genome position (GRCh38, 1-based): chr12:88,054,361, T>G on the plus strand (A>C on the coding strand, the complement: CEP290 is on the minus strand). VCF-style: chr12-88054361-T-G. GRCh37 (hg19) VCF-style: chr12-88448138-T-G.
Other names: short protein forms K2338T.
Identifiers: ClinVar variation 4999741 (VCV004999741.1).

ClinVar aggregate classification (germline): Uncertain significance (1 of 4 stars; one submission).

Conditions:
CEP290-related disorder. Also called: CEP290-related disorders; CEP290-related condition. Identifiers: MedGen CN239314.

Submission:

PreventionGenetics, part of Exact Sciences
Classification: Uncertain significance for CEP290-related condition. Last evaluated: 2024-12-13. Review status: criteria provided, single submitter. Criteria: ACMG Guidelines, 2015. Collection method: clinical testing. Allele origin: germline.
Comment: The CEP290 c.7013A>C variant is predicted to result in the amino acid substitution p.Lys2338Thr. To our knowledge, this variant has not been reported in the literature or in a large population database (gnomAD), indicating this variant is rare. At this time, the clinical significance of this variant is uncertain due to the absence of conclusive functional and genetic evidence.